The following is an entry in ClinVar:

ClinVar aggregate classification (germline): Likely pathogenic (1 of 4 stars; one submission).

Conditions:
Myopathy, proximal, and ophthalmoplegia (CMYO6). Also called: CONGENITAL MYOPATHY 6 WITH OPHTHALMOPLEGIA; MYOPATHY WITH CONGENITAL JOINT CONTRACTURES, OPHTHALMOPLEGIA, AND RIMMED VACUOLES; INCLUSION BODY MYOPATHY 3, AUTOSOMAL DOMINANT. Identifiers: Orphanet 363677, Orphanet 79091, MedGen C1854106, MONDO:0011577, OMIM 605637.

Submission:

Labcorp Genetics (formerly Invitae), Labcorp
Classification: Likely pathogenic for Myopathy, proximal, and ophthalmoplegia. Last evaluated: 2025-12-05. Review status: criteria provided, single submitter. Criteria: Invitae Variant Classification Sherloc (09022015). Collection method: clinical testing. Allele origin: germline.
Comment: This sequence change affects an acceptor splice site in intron 16 of the MYH2 gene. It is expected to disrupt RNA splicing. Variants that disrupt the donor or acceptor splice site typically lead to a loss of protein function (PMID: 16199547), and loss-of-function variants in MYH2 are known to be pathogenic (PMID: 20418530, 23388406, 24193343). This variant is not present in population databases (gnomAD no frequency). This variant has not been reported in the literature in individuals affected with MYH2-related conditions. Algorithms developed to predict the effect of sequence changes on RNA splicing suggest that this variant may disrupt the consensus splice site. In summary, the currently available evidence indicates that the variant is pathogenic, but additional data are needed to prove that conclusively. Therefore, this variant has been classified as Likely Pathogenic.

Literature cited by the submitters: PubMed 16199547; PubMed 20418530; PubMed 23388406; PubMed 24193343.

NM_017534.6(MYH2):c.1898-1G>T

Genes: MYH2 (myosin heavy chain 2; minus strand), MYHAS (myosin heavy chain gene cluster antisense RNA; plus strand). Cytogenetic location: 17p13.1.
Variant type: single nucleotide variant.
Coding change: c.1898-1G>T on transcript NM_017534.6 (MANE Select); the canonical splice acceptor site of the intron before coding-DNA position 1898, G replaced by T.
Molecular consequence: splice acceptor variant.
Genome position (GRCh38, 1-based): chr17:10,536,607, C>A on the plus strand (G>T on the coding strand, the complement: MYH2 is on the minus strand). VCF-style: chr17-10536607-C-A. GRCh37 (hg19) VCF-style: chr17-10439924-C-A.
Other names: c.1898-1G>T (NM_001100112.2).
Identifiers: ClinVar variation 4797751 (VCV004797751.1).